The following is an entry in ClinVar:

ClinVar aggregate classification (germline): Uncertain significance (1 of 4 stars; one submission).

Submission:

GeneDx
Classification: Uncertain significance. Last evaluated: 2023-03-17. Review status: criteria provided, single submitter. Criteria: GeneDx Variant Classification Process June 2021. Collection method: clinical testing. Allele origin: germline. Affected: yes.
Comment: Not observed at significant frequency in large population cohorts (gnomAD); In silico analysis supports that this missense variant has a deleterious effect on protein structure/function; Has not been previously published as pathogenic or benign to our knowledge

NM_001197104.2(KMT2A):c.3040G>C (p.Asp1014His)

Gene: KMT2A (lysine methyltransferase 2A; plus strand). Cytogenetic location: 11q23.3.
Variant type: single nucleotide variant.
Coding change: c.3040G>C on transcript NM_001197104.2 (MANE Select); coding-DNA position 3040, G replaced by C.
Protein change: p.Asp1014His; replaces aspartic acid 1014 with histidine.
Molecular consequence: missense variant.
Genome position (GRCh38, 1-based): chr11:118,474,199, G>C. VCF-style: chr11-118474199-G-C. GRCh37 (hg19) VCF-style: chr11-118344914-G-C.
Other names: c.3139G>C, p.Asp1047His (NM_001412597.1); c.3040G>C, p.Asp1014His (NM_005933.4); short protein forms D1014H, D1047H.
Identifiers: ClinVar variation 2579893 (VCV002579893.1), dbSNP rs2134273148, ClinGen allele CA382819587.